The following is an entry in ClinVar:

ClinVar aggregate classification (germline): Uncertain significance. Review status: criteria provided, multiple submitters, no conflicts (2 of 4 stars). 2 submissions from 2 submitters: Uncertain significance (2). Last evaluated 2025-04-23.

Conditions:
Cardiovascular phenotype. Identifiers: MedGen CN230736.
Dilated cardiomyopathy 1AA (CMD1AA). Also called: Cardiomyopathy, dilated, 1AA, with or without LVNC; CARDIOMYOPATHY, DILATED, 1AA, WITH OR WITHOUT LEFT VENTRICULAR NONCOMPACTION; CARDIOMYOPATHY, FAMILIAL HYPERTROPHIC, 23, WITH OR WITHOUT LEFT VENTRICULAR NONCOMPACTION. Identifiers: Orphanet 154, MedGen C2677338, MONDO:0012808, OMIM 612158.
Primary familial hypertrophic cardiomyopathy (HCM). Identifiers: Orphanet 99739, MedGen C0949658, MeSH D024741, MONDO:0024573. Inheritance: Various modes of inheritance.

Allele frequency attached by ClinVar (database versions not stated): TOPMed 0.00002.

Submissions (2):

Labcorp Genetics (formerly Invitae), Labcorp
Classification: Uncertain significance for Primary familial hypertrophic cardiomyopathy; Dilated cardiomyopathy 1AA. Last evaluated: 2025-04-23. Review status: criteria provided, single submitter. Criteria: Invitae Variant Classification Sherloc (09022015). Collection method: clinical testing. Allele origin: germline.
Comment: This sequence change replaces arginine, which is basic and polar, with glycine, which is neutral and non-polar, at codon 398 of the ACTN2 protein (p.Arg398Gly). This variant is not present in population databases (gnomAD no frequency). This variant has not been reported in the literature in individuals affected with ACTN2-related conditions. ClinVar contains an entry for this variant (Variation ID: 463189). Invitae Evidence Modeling of protein sequence and biophysical properties (such as structural, functional, and spatial information, amino acid conservation, physicochemical variation, residue mobility, and thermodynamic stability) indicates that this missense variant is expected to disrupt ACTN2 protein function with a positive predictive value of 80%. In summary, the available evidence is currently insufficient to determine the role of this variant in disease. Therefore, it has been classified as a Variant of Uncertain Significance.

Ambry Genetics
Classification: Uncertain significance for Cardiovascular phenotype. Last evaluated: 2023-11-17. Review status: criteria provided, single submitter. Criteria: Ambry Variant Classification Scheme 2023. Collection method: clinical testing. Allele origin: germline.
Comment: The p.R398G variant (also known as c.1192C>G), located in coding exon 11 of the ACTN2 gene, results from a C to G substitution at nucleotide position 1192. The arginine at codon 398 is replaced by glycine, an amino acid with dissimilar properties. This alteration has been reported in a Brugada syndrome cohort and in a cardiomyopathy/arrhythmia genetic testing cohort; however, clinical details were limited, and additional cardiac variants were detected in some cases (Zhang L et al. Mayo Clin Proc, 2016 Nov;91:1503-1514; van Lint FHM et al. Neth Heart J, 2019 Jun;27:304-309). This amino acid position is highly conserved in available vertebrate species. In addition, this alteration is predicted to be deleterious by in silico analysis. Since supporting evidence is limited at this time, the clinical significance of this alteration remains unclear.

Literature cited by the submitters: PubMed 27707468 (cited by Ambry Genetics); PubMed 30847666 (cited by Ambry Genetics).

NM_001103.4(ACTN2):c.1192C>G (p.Arg398Gly)

Gene: ACTN2 (actinin alpha 2; plus strand). Cytogenetic location: 1q43.
Variant type: single nucleotide variant.
Coding change: c.1192C>G on transcript NM_001103.4 (MANE Select); coding-DNA position 1192, C replaced by G.
Protein change: p.Arg398Gly; replaces arginine 398 with glycine.
Molecular consequence: missense variant.
Genome position (GRCh38, 1-based): chr1:236,742,980, C>G. VCF-style: chr1-236742980-C-G. GRCh37 (hg19) VCF-style: chr1-236906280-C-G.
Other names: c.1192C>G, p.Arg398Gly (NM_001278343.2); c.568C>G, p.Arg190Gly (NM_001278344.2); c.1192C>G (NM_001103.2); short protein forms R398G, R190G.
Identifiers: ClinVar variation 463189 (VCV000463189.10), dbSNP rs148189507, ClinGen allele CA345382299.
Genomic context (GRCh38, chr1:236,742,980, plus strand): 5'-CTGGAGCAGGCTGAGAAGGGTTACGAGGAGTGGTTGCTCAATGAGATTCGGAGACTGGAG[C>G]GCTTGGAACACCTGGCTGAGAAGTTCAGGCAGAAGGCCTCAACGCACGAGACTTGGGCTT-3'
Protein context (NP_001094.1, residues 388-408): WLLNEIRRLE[Arg398Gly]LEHLAEKFRQ